The following is an entry in ClinVar:

ClinVar aggregate classification (germline): Uncertain significance (1 of 4 stars; one submission).

Conditions:
Arrhythmogenic right ventricular dysplasia 9 (ARVD9). Also called: ARRHYTHMOGENIC RIGHT VENTRICULAR DYSPLASIA, FAMILIAL, 9; Arrhythmogenic Right Ventricular Dysplasia/Cardiomyopathy 9. Identifiers: MedGen C1836906, MONDO:0012180, OMIM 609040.

Submission:

Labcorp Genetics (formerly Invitae), Labcorp
Classification: Uncertain significance for Arrhythmogenic right ventricular dysplasia 9. Last evaluated: 2019-01-14. Review status: criteria provided, single submitter. Criteria: Invitae Variant Classification Sherloc (09022015). Collection method: clinical testing. Allele origin: germline.
Comment: This variant has not been reported in the literature in individuals with PKP2-related conditions. This variant is not present in population databases (ExAC no frequency). This sequence change replaces leucine with arginine at codon 527 of the PKP2 protein (p.Leu527Arg). The leucine residue is highly conserved and there is a moderate physicochemical difference between leucine and arginine. In summary, the available evidence is currently insufficient to determine the role of this variant in disease. Therefore, it has been classified as a Variant of Uncertain Significance. Algorithms developed to predict the effect of missense changes on protein structure and function (SIFT, PolyPhen-2, Align-GVGD) all suggest that this variant is likely to be disruptive, but these predictions have not been confirmed by published functional studies and their clinical significance is uncertain.

NM_001005242.3(PKP2):c.1448T>G (p.Leu483Arg)

Gene: PKP2 (plakophilin 2; minus strand). Cytogenetic location: 12p11.21.
Variant type: single nucleotide variant.
Coding change: c.1448T>G on transcript NM_001005242.3 (MANE Select); coding-DNA position 1448, T replaced by G.
Protein change: p.Leu483Arg; replaces leucine 483 with arginine.
Molecular consequence: missense variant.
Genome position (GRCh38, 1-based): chr12:32,841,136, A>C on the plus strand (T>G on the coding strand, the complement: PKP2 is on the minus strand). VCF-style: chr12-32841136-A-C. GRCh37 (hg19) VCF-style: chr12-32994070-A-C.
Other names: c.1580T>G, p.Leu527Arg (NM_004572.4); short protein forms L527R, L483R.
Identifiers: ClinVar variation 647430 (VCV000647430.10), dbSNP rs397517000, ClinGen allele CA384367839.